The following is an entry in ClinVar:

ClinVar aggregate classification (germline): Uncertain significance (1 of 4 stars; one submission).

Conditions:
Brachycephaly, trichomegaly, and developmental delay. Also called: MacInnes syndrome. Identifiers: MedGen C4479431, MONDO:0044311, OMIM 617412.

Allele frequency attached by ClinVar (database versions not stated): gnomAD exomes below 0.00001.

Submission:

Baylor Genetics
Classification: Uncertain significance for Brachycephaly, trichomegaly, and developmental delay. Last evaluated: 2020-01-22. Review status: criteria provided, single submitter. Criteria: ACMG Guidelines, 2015. Collection method: clinical testing. Allele origin: unknown. Affected: yes.
Comment: This variant was determined to be of uncertain significance according to ACMG Guidelines, 2015 [PMID:25741868].

NM_001025.5(RPS23):c.139G>A (p.Ala47Thr)

Gene: RPS23 (ribosomal protein S23; minus strand). Cytogenetic location: 5q14.2.
Variant type: single nucleotide variant.
Coding change: c.139G>A on transcript NM_001025.5 (MANE Select); coding-DNA position 139, G replaced by A.
Protein change: p.Ala47Thr; replaces alanine 47 with threonine.
Molecular consequence: missense variant.
Genome position (GRCh38, 1-based): chr5:82,277,718, C>T on the plus strand (G>A on the coding strand, the complement: RPS23 is on the minus strand). VCF-style: chr5-82277718-C-T. GRCh37 (hg19) VCF-style: chr5-81573537-C-T.
Other names: short protein forms A47T.
Identifiers: ClinVar variation 1030028 (VCV001030028.1), dbSNP rs1747933581, ClinGen allele CA360356152.